The following is an entry in ClinVar:

NM_005529.7(HSPG2):c.5217G>A (p.Ser1739=)

Gene: HSPG2 (heparan sulfate proteoglycan 2; minus strand). Cytogenetic location: 1p36.12.
Variant type: single nucleotide variant.
Coding change: c.5217G>A on transcript NM_005529.7 (MANE Select); coding-DNA position 5217, G replaced by A.
Protein change: p.Ser1739=; no amino-acid change (serine 1739 retained).
Molecular consequence: synonymous variant.
Genome position (GRCh38, 1-based): chr1:21,859,642, C>T on the plus strand (G>A on the coding strand, the complement: HSPG2 is on the minus strand). VCF-style: chr1-21859642-C-T. GRCh37 (hg19) VCF-style: chr1-22186135-C-T.
Other names: c.5220G>A, p.Ser1740= (NM_001291860.2).
Identifiers: ClinVar variation 719623 (VCV000719623.18), dbSNP rs146482954, ClinGen allele CA672009.

ClinVar aggregate classification (germline): Likely benign. Review status: criteria provided, multiple submitters, no conflicts (2 of 4 stars). 4 submissions from 4 submitters: Likely benign (4). Last evaluated 2025-10-19.

Allele frequency attached by ClinVar (database versions not stated): gnomAD 0.00006; ESP Exome Variant Server 0.00008; TOPMed 0.00013.
gnomAD v4.1: 154 of 1,608,248 alleles (0.0096%); highest among the groups gnomAD compares: Middle Eastern, 0.099%; no homozygotes.

Submissions (4):

Labcorp Genetics (formerly Invitae), Labcorp
Classification: Likely benign. Last evaluated: 2025-10-19. Review status: criteria provided, single submitter. Criteria: Invitae Variant Classification Sherloc (09022015). Collection method: clinical testing. Allele origin: germline.

CeGaT Center for Human Genetics Tuebingen
Classification: Likely benign. Last evaluated: 2025-09-01. Review status: criteria provided, single submitter. Criteria: CeGaT Center For Human Genetics Tuebingen Variant Classification Criteria Version 2. Collection method: clinical testing. Allele origin: germline. Affected: yes. Observed: 1 variant allele.
Comment: HSPG2: BP4, BP7

Blueprint Genetics
Classification: Likely benign. Last evaluated: 2024-06-07. Review status: criteria provided, single submitter. Criteria: ACMG Guidelines, 2015. Collection method: clinical testing. Allele origin: germline.

Athena Diagnostics
Classification: Likely benign. Last evaluated: 2020-03-24. Review status: criteria provided, single submitter. Criteria: Athena Diagnostics Criteria. Collection method: clinical testing. Allele origin: unknown.